The following is an entry in ClinVar:

ClinVar aggregate classification (germline): Uncertain significance (1 of 4 stars; one submission).

Conditions:
Inborn genetic diseases. Identifiers: MedGen C0950123, MeSH D030342.

Submission:

Ambry Genetics
Classification: Uncertain significance for Inborn genetic diseases. Last evaluated: 2024-11-14. Review status: criteria provided, single submitter. Criteria: Ambry Variant Classification Scheme 2023. Collection method: clinical testing. Allele origin: germline.
Comment: The p.A804G variant (also known as c.2411C>G), located in coding exon 11 of the ATR gene, results from a C to G substitution at nucleotide position 2411. The alanine at codon 804 is replaced by glycine, an amino acid with similar properties. This amino acid position is conserved. In addition, this alteration is predicted to be tolerated by in silico analysis. Since supporting evidence is limited at this time, the clinical significance of this alteration remains unclear.

NM_001184.4(ATR):c.2411C>G (p.Ala804Gly)

Gene: ATR (ATR checkpoint kinase; minus strand). Cytogenetic location: 3q23.
Variant type: single nucleotide variant.
Coding change: c.2411C>G on transcript NM_001184.4 (MANE Select); coding-DNA position 2411, C replaced by G.
Protein change: p.Ala804Gly; replaces alanine 804 with glycine.
Molecular consequence: missense variant.
Genome position (GRCh38, 1-based): chr3:142,553,946, G>C on the plus strand (C>G on the coding strand, the complement: ATR is on the minus strand). VCF-style: chr3-142553946-G-C. GRCh37 (hg19) VCF-style: chr3-142272788-G-C.
Other names: c.2219C>G, p.Ala740Gly (NM_001354579.2); short protein forms A740G, A804G.
Identifiers: ClinVar variation 1790897 (VCV001790897.3), dbSNP rs2108465760, ClinGen allele CA354816922.
Genomic context (GRCh38, chr3:142,553,946, plus strand): 5'-AAAGCCACTCTAACATCTTTGTCTGGATCTTCCATTAAATTTAATAAAGTTCCAAGAACT[G>C]CTTTTACATCTGTTTCATCTTCTCTAAAATCAAGATGCTTACAAAGATGATGTAGATTAT-3'
Protein context (NP_001175.2, residues 794-814): DFREDETDVK[Ala804Gly]VLGTLLNLME